The following is an entry in ClinVar:

NM_052867.4(NALCN):c.3112C>A (p.Leu1038Ile)

Gene: NALCN (sodium leak channel, non-selective; minus strand). Cytogenetic location: 13q33.1.
Variant type: single nucleotide variant.
Coding change: c.3112C>A on transcript NM_052867.4 (MANE Select); coding-DNA position 3112, C replaced by A.
Protein change: p.Leu1038Ile; replaces leucine 1038 with isoleucine.
Molecular consequence: missense variant.
Genome position (GRCh38, 1-based): chr13:101,100,834, G>T on the plus strand (C>A on the coding strand, the complement: NALCN is on the minus strand). VCF-style: chr13-101100834-G-T. GRCh37 (hg19) VCF-style: chr13-101753185-G-T.
Other names: c.3199C>A, p.Leu1067Ile (NM_001350748.2); c.3112C>A, p.Leu1038Ile (NM_001350749.2); c.3025C>A, p.Leu1009Ile (NM_001350750.2, NM_001350751.2); short protein forms L1009I, L1038I, L1067I.
Identifiers: ClinVar variation 4754028 (VCV004754028.1).
Genomic context (GRCh38, chr13:101,100,834, plus strand): 5'-TACATCTTACCCTTCTAATAATGTTGGGATCATTGCACTTGGCCAGTTTTCCAGCAAAAA[G>T]CTGAACTCCAAAGCTTGCAAAAACGAGCATTAATGTCAGCAAAAGAATGGAGACCTGAAA-3'
Protein context (NP_443099.1, residues 1028-1048): MLVFASFGVQ[Leu1038Ile]FAGKLAKCND

ClinVar aggregate classification (germline): Uncertain significance (1 of 4 stars; one submission).

gnomAD v4.1: 2 of 1,612,152 alleles (0.00012%); highest among the groups gnomAD compares: Non-Finnish European, 0.000085%; no homozygotes.

Submission:

Labcorp Genetics (formerly Invitae), Labcorp
Classification: Uncertain significance. Last evaluated: 2025-12-19. Review status: criteria provided, single submitter. Criteria: Invitae Variant Classification Sherloc (09022015). Collection method: clinical testing. Allele origin: germline.
Comment: This sequence change replaces leucine, which is neutral and non-polar, with isoleucine, which is neutral and non-polar, at codon 1038 of the NALCN protein (p.Leu1038Ile). This variant is present in population databases (rs771741587, gnomAD 0.002%). This variant has not been reported in the literature in individuals affected with NALCN-related conditions. Invitae Evidence Modeling of protein sequence and biophysical properties (such as structural, functional, and spatial information, amino acid conservation, physicochemical variation, residue mobility, and thermodynamic stability) indicates that this missense variant is not expected to disrupt NALCN protein function with a negative predictive value of 80%. In summary, the available evidence is currently insufficient to determine the role of this variant in disease. Therefore, it has been classified as a Variant of Uncertain Significance.